The following is an entry in ClinVar:

NM_001082538.3(TCTN1):c.559T>C (p.Leu187=)

Gene: TCTN1 (tectonic family member 1; plus strand). Cytogenetic location: 12q24.11.
Variant type: single nucleotide variant.
Coding change: c.559T>C on transcript NM_001082538.3 (MANE Select); coding-DNA position 559, T replaced by C.
Protein change: p.Leu187=; no amino-acid change (leucine 187 retained).
Molecular consequence: synonymous variant. On other transcripts: non-coding transcript variant (1).
Genome position (GRCh38, 1-based): chr12:110,628,853, T>C. VCF-style: chr12-110628853-T-C. GRCh37 (hg19) VCF-style: chr12-111066658-T-C.
Other names: c.559T>C, p.Leu187= (NM_001082537.3, NM_001319680.2, NM_024549.6); c.391T>C, p.Leu131= (NM_001173975.3, NM_001319682.3); c.379T>C, p.Leu127= (NM_001173976.2); c.25T>C, p.Leu9= (NM_001319681.2).
Identifiers: ClinVar variation 700884 (VCV000700884.31), dbSNP rs376935369, ClinGen allele CA6786610.

ClinVar aggregate classification (germline): Likely benign. Review status: criteria provided, multiple submitters, no conflicts (2 of 4 stars). 3 submissions from 3 submitters: Likely benign (3). Last evaluated 2026-01-06.

Conditions:
Meckel-Gruber syndrome. Also called: Dysencephalia splachnocystica; GRUBER SYNDROME; DYSENCEPHALIA SPLANCHNOCYSTICA. Identifiers: Orphanet 564, MedGen C0265215, MONDO:0018921.
Joubert syndrome. Also called: Familial aplasia of the vermis; JOUBERT-BOLTSHAUSER SYNDROME. Identifiers: Orphanet 475, MedGen C5979921, MONDO:0018772.

Allele frequency attached by ClinVar (database versions not stated): gnomAD 0.00003; ExAC 0.00004; gnomAD exomes 0.00004; TOPMed 0.00004; ESP Exome Variant Server 0.00008.
gnomAD v4.1: 51 of 1,613,606 alleles (0.0032%); highest among the groups gnomAD compares: African/African-American, 0.0093%; no homozygotes.

Submissions (3):

Labcorp Genetics (formerly Invitae), Labcorp
Classification: Likely benign for Joubert syndrome; Meckel-Gruber syndrome. Last evaluated: 2026-01-06. Review status: criteria provided, single submitter. Criteria: Invitae Variant Classification Sherloc (09022015). Collection method: clinical testing. Allele origin: germline.

Blueprint Genetics
Classification: Likely benign. Last evaluated: 2024-11-13. Review status: criteria provided, single submitter. Criteria: ACMG Guidelines, 2015. Collection method: clinical testing. Allele origin: germline.

CeGaT Center for Human Genetics Tuebingen
Classification: Likely benign. Last evaluated: 2023-10-01. Review status: criteria provided, single submitter. Criteria: CeGaT Center For Human Genetics Tuebingen Variant Classification Criteria Version 2. Collection method: clinical testing. Allele origin: germline. Affected: yes. Observed: 1 variant allele.
Comment: TCTN1: BP4, BP7